The following is an entry in ClinVar:

NM_003900.5(SQSTM1):c.810del (p.Val271fs)

Gene: SQSTM1 (sequestosome 1; plus strand). Cytogenetic location: 5q35.3.
Variant type: Deletion.
Coding change: c.810del on transcript NM_003900.5 (MANE Select); coding-DNA position 810, one base deleted (C; older notation c.810delC).
Protein change: p.Val271fs; shifts the reading frame from valine 271.
Molecular consequence: frameshift variant.
Genome position (GRCh38, 1-based): chr5:179,833,087, C deleted; the last of 5 consecutive C bases (chr5:179,833,083-179,833,087); deleting any one gives the same sequence. VCF-style (leftmost placement, unchanged base first): chr5-179833082-AC-A. GRCh37 (hg19) VCF-style: chr5-179260082-AC-A.
Other names: c.558del, p.Val187fs (NM_001142298.2, NM_001142299.2); short protein forms V187fs, V271fs.
Identifiers: ClinVar variation 967349 (VCV000967349.7), dbSNP rs1758316662, ClinGen allele CA1085049674.

ClinVar aggregate classification (germline): Pathogenic (1 of 4 stars; one submission).

Conditions:
Paget disease of bone 2, early-onset (PDB2). Also called: Paget disease of bone 2. Identifiers: MedGen C4085251, MONDO:0011183, OMIM 602080.
Frontotemporal dementia and/or amyotrophic lateral sclerosis 1 (FTDALS1). Also called: Frontotemporal dementia with motor neuron disease 1; C9orf72 Frontotemporal Dementia and/or Amyotrophic Lateral Sclerosis. Identifiers: Orphanet 275872, MedGen C5779877, MONDO:0007105, OMIM 105550.

Submission:

Labcorp Genetics (formerly Invitae), Labcorp
Classification: Pathogenic for Paget disease of bone 2, early-onset; Frontotemporal dementia and/or amyotrophic lateral sclerosis 1. Last evaluated: 2022-07-18. Review status: criteria provided, single submitter. Criteria: Invitae Variant Classification Sherloc (09022015). Collection method: clinical testing. Allele origin: germline.
Comment: For these reasons, this variant has been classified as Pathogenic. ClinVar contains an entry for this variant (Variation ID: 967349). This variant has not been reported in the literature in individuals affected with SQSTM1-related conditions. This variant is not present in population databases (gnomAD no frequency). This sequence change creates a premature translational stop signal (p.Val271Serfs*41) in the SQSTM1 gene. It is expected to result in an absent or disrupted protein product. Loss-of-function variants in SQSTM1 are known to be pathogenic (PMID: 27545679, 29959261).

Literature cited by the submitters: PubMed 27545679; PubMed 29959261.